The following is an entry in ClinVar:

ClinVar aggregate classification (germline): Uncertain significance. Review status: criteria provided, multiple submitters, no conflicts (2 of 4 stars). 2 submissions from 2 submitters: Uncertain significance (2). Last evaluated 2025-06-06.

Allele frequency attached by ClinVar (database versions not stated): gnomAD exomes below 0.00001; ExAC 0.00001.
gnomAD v4.1: 1 of 1,614,218 alleles (0.000062%); highest among the groups gnomAD compares: South Asian, 0.0011%; no homozygotes.

Submissions (2):

Ambry Genetics
Classification: Uncertain significance. Last evaluated: 2025-06-06. Review status: criteria provided, single submitter. Criteria: Ambry Variant Classification Scheme 2023. Collection method: clinical testing. Allele origin: germline.

Labcorp Genetics (formerly Invitae), Labcorp
Classification: Uncertain significance. Last evaluated: 2021-09-14. Review status: criteria provided, single submitter. Criteria: Invitae Variant Classification Sherloc (09022015). Collection method: clinical testing. Allele origin: germline.
Comment: This sequence change replaces proline with leucine at codon 237 of the DHX38 protein (p.Pro237Leu). The proline residue is highly conserved and there is a moderate physicochemical difference between proline and leucine. This variant is present in population databases (rs750964573, ExAC 0.006%). This variant has not been reported in the literature in individuals affected with DHX38-related conditions. Algorithms developed to predict the effect of missense changes on protein structure and function are either unavailable or do not agree on the potential impact of this missense change (SIFT: "Deleterious"; PolyPhen-2: "Benign"; Align-GVGD: "Class C65"). In summary, the available evidence is currently insufficient to determine the role of this variant in disease. Therefore, it has been classified as a Variant of Uncertain Significance.

NM_014003.4(DHX38):c.710C>T (p.Pro237Leu)

Gene: DHX38 (DEAH-box helicase 38; plus strand). Cytogenetic location: 16q22.2.
Variant type: single nucleotide variant.
Coding change: c.710C>T on transcript NM_014003.4 (MANE Select); coding-DNA position 710, C replaced by T.
Protein change: p.Pro237Leu; replaces proline 237 with leucine.
Molecular consequence: missense variant.
Genome position (GRCh38, 1-based): chr16:72,098,738, C>T. VCF-style: chr16-72098738-C-T. GRCh37 (hg19) VCF-style: chr16-72132637-C-T.
Other names: c.710C>T (NM_014003.3); short protein forms P237L.
Identifiers: ClinVar variation 1438000 (VCV001438000.7), dbSNP rs750964573, ClinGen allele CA8160048.
Genomic context (GRCh38, chr16:72,098,738, plus strand): 5'-AAGAGGACAGTGGCTATGGCTCCTCAAGGCGCTCACAGTGGGAATCGCCCTCCCCGACGC[C>T]TTCCTATCGGGATTCTGAGCGGAGCCATCGGCTGTCCACTCGAGATCGAGACAGGTGATG-3'
Protein context (NP_054722.2, residues 227-247): RSQWESPSPT[Pro237Leu]SYRDSERSHR